The following is an entry in ClinVar:

NM_006912.6(RIT1):c.88_89delinsCT (p.Gly30Leu)

Gene: RIT1 (Ras like without CAAX 1; minus strand). Cytogenetic location: 1q22.
Variant type: Indel.
Coding change: c.88_89delinsCT on transcript NM_006912.6 (MANE Select); coding-DNA positions 88 to 89, GG replaced by CT.
Protein change: p.Gly30Leu; replaces glycine 30 with leucine.
Molecular consequence: missense variant. On other transcripts: intron variant (1).
Genome position (GRCh38, 1-based): chr1:155,910,673-155,910,674, CC replaced by AG on the plus strand (GG replaced by CT on the coding strand, the reverse complement: RIT1 is on the minus strand). VCF-style: chr1-155910673-CC-AG. GRCh37 (hg19) VCF-style: chr1-155880464-CC-AG.
Other names: c.139_140delinsCT, p.Gly47Leu (NM_001256821.2); c.-2-168_-2-167delinsCT (NM_001256820.2); short protein forms G30L, G47L.
Identifiers: ClinVar variation 4795457 (VCV004795457.1).

ClinVar aggregate classification (germline): Uncertain significance (1 of 4 stars; one submission).

Submission:

GeneDx
Classification: Uncertain significance. Last evaluated: 2025-08-15. Review status: criteria provided, single submitter. Criteria: GeneDx Variant Classification Process June 2021. Collection method: clinical testing. Allele origin: germline. Affected: yes.
Comment: Not observed at significant frequency in large population cohorts (gnomAD); In silico analysis supports a deleterious effect on protein structure/function; Has not been previously published as pathogenic or benign to our knowledge